The following is an entry in ClinVar:

NM_001734.5(C1S):c.653T>C (p.Leu218Ser)

Gene: C1S (complement C1s; plus strand). Cytogenetic location: 12p13.31.
Variant type: single nucleotide variant.
Coding change: c.653T>C on transcript NM_001734.5 (MANE Select); coding-DNA position 653, T replaced by C.
Protein change: p.Leu218Ser; replaces leucine 218 with serine.
Molecular consequence: missense variant.
Genome position (GRCh38, 1-based): chr12:7,065,235, T>C. VCF-style: chr12-7065235-T-C. GRCh37 (hg19) VCF-style: chr12-7172539-T-C.
Other names: c.152T>C, p.Leu51Ser (NM_001346850.2); c.653T>C, p.Leu218Ser (NM_201442.4); short protein forms L218S, L51S.
Identifiers: ClinVar variation 3698485 (VCV003698485.2).

ClinVar aggregate classification (germline): Uncertain significance (1 of 4 stars; one submission).

Submission:

Labcorp Genetics (formerly Invitae), Labcorp
Classification: Uncertain significance. Last evaluated: 2024-02-02. Review status: criteria provided, single submitter. Criteria: Invitae Variant Classification Sherloc (09022015). Collection method: clinical testing. Allele origin: germline.
Comment: This sequence change replaces leucine, which is neutral and non-polar, with serine, which is neutral and polar, at codon 218 of the C1S protein (p.Leu218Ser). This variant is not present in population databases (gnomAD no frequency). This variant has not been reported in the literature in individuals affected with C1S-related conditions. Advanced modeling of protein sequence and biophysical properties (such as structural, functional, and spatial information, amino acid conservation, physicochemical variation, residue mobility, and thermodynamic stability) performed at Invitae indicates that this missense variant is not expected to disrupt C1S protein function with a negative predictive value of 80%. In summary, the available evidence is currently insufficient to determine the role of this variant in disease. Therefore, it has been classified as a Variant of Uncertain Significance.